The following is an entry in ClinVar:

ClinVar aggregate classification (germline): Uncertain significance (1 of 4 stars; one submission).

Submission:

Labcorp Genetics (formerly Invitae), Labcorp
Classification: Uncertain significance. Last evaluated: 2024-05-10. Review status: criteria provided, single submitter. Criteria: Invitae Variant Classification Sherloc (09022015). Collection method: clinical testing. Allele origin: germline.
Comment: This sequence change affects the initiator methionine of the MICAL1 mRNA. The next in-frame methionine is located at codon 20. This variant is not present in population databases (gnomAD no frequency). This variant has not been reported in the literature in individuals affected with MICAL1-related conditions. Experimental studies and prediction algorithms are not available or were not evaluated, and the functional significance of this variant is currently unknown. In summary, the available evidence is currently insufficient to determine the role of this variant in disease. Therefore, it has been classified as a Variant of Uncertain Significance.

NC_000006.12:g.109465677T>C

Genes: MICAL1 (microtubule associated monooxygenase, calponin and LIM domain containing 1; minus strand), ZBTB24 (zinc finger and BTB domain containing 24; minus strand). Cytogenetic location: 6q21.
Variant type: single nucleotide variant.
Molecular consequence: 3 prime UTR variant (on NM_014797.3). On other transcripts: missense variant (1), initiator codon variant (1).
Genome position: GRCh38 VCF-style: chr6-109465677-T-C. GRCh37 (hg19) VCF-style: chr6-109786880-T-C.
Other names: c.1A>G, p.Met1Val (NM_001286613.2); c.*174A>G (NM_014797.3); short protein forms M1V.
Identifiers: ClinVar variation 3652878 (VCV003652878.2).